The following is an entry in ClinVar:

NM_022168.4(IFIH1):c.1513C>T (p.His505Tyr)

Gene: IFIH1 (interferon induced with helicase C domain 1; minus strand). Cytogenetic location: 2q24.2.
Variant type: single nucleotide variant.
Coding change: c.1513C>T on transcript NM_022168.4 (MANE Select); coding-DNA position 1513, C replaced by T.
Protein change: p.His505Tyr; replaces histidine 505 with tyrosine.
Molecular consequence: missense variant.
Genome position (GRCh38, 1-based): chr2:162,281,339, G>A on the plus strand (C>T on the coding strand, the complement: IFIH1 is on the minus strand). VCF-style: chr2-162281339-G-A. GRCh37 (hg19) VCF-style: chr2-163137849-G-A.
Other names: short protein forms H505Y.
Identifiers: ClinVar variation 2926350 (VCV002926350.3), dbSNP rs1278197489, ClinGen allele CA349002006.

ClinVar aggregate classification (germline): Uncertain significance (1 of 4 stars; one submission).

Conditions:
Singleton-Merten syndrome 1 (SGMRT1). Also called: Widened medullary cavities of bone, aortic calcification, abnormal dentition, and muscular weakness; Syndrome of widened medullary cavities of the metacarpals and phalanges, aortic calcification and abnormal dentition. Identifiers: Orphanet 85191, MedGen C4225427, MONDO:0024535, OMIM 182250.
Aicardi-Goutieres syndrome 7 (AGS7). Identifiers: Orphanet 51, MedGen C3888244, MONDO:0014367, OMIM 615846.

Allele frequency attached by ClinVar (database versions not stated): gnomAD 0.00001; gnomAD exomes below 0.00001; TOPMed below 0.00001.
gnomAD v4.1: 4 of 1,611,446 alleles (0.00025%); highest among the groups gnomAD compares: Non-Finnish European, 0.00034%; no homozygotes.

Submission:

Labcorp Genetics (formerly Invitae), Labcorp
Classification: Uncertain significance for Aicardi-Goutieres syndrome 7; Singleton-Merten syndrome 1. Last evaluated: 2025-02-10. Review status: criteria provided, single submitter. Criteria: Invitae Variant Classification Sherloc (09022015). Collection method: clinical testing. Allele origin: germline.
Comment: This sequence change replaces histidine, which is basic and polar, with tyrosine, which is neutral and polar, at codon 505 of the IFIH1 protein (p.His505Tyr). This variant is not present in population databases (gnomAD no frequency). This variant has not been reported in the literature in individuals affected with IFIH1-related conditions. ClinVar contains an entry for this variant (Variation ID: 2926350). Invitae Evidence Modeling of protein sequence and biophysical properties (such as structural, functional, and spatial information, amino acid conservation, physicochemical variation, residue mobility, and thermodynamic stability) has been performed for this missense variant. However, the output from this modeling did not meet the statistical confidence thresholds required to predict the impact of this variant on IFIH1 protein function. In summary, the available evidence is currently insufficient to determine the role of this variant in disease. Therefore, it has been classified as a Variant of Uncertain Significance.